The following is an entry in ClinVar:

ClinVar aggregate classification (germline): Uncertain significance. Review status: criteria provided, multiple submitters, no conflicts (2 of 4 stars). 3 submissions from 3 submitters: Uncertain significance (3). Last evaluated 2023-11-20.

Conditions:
Methylmalonic acidemia with homocystinuria, type cblJ (MAHCJ). Also called: METHYLMALONIC ACIDURIA AND HOMOCYSTINURIA, cblJ TYPE. Identifiers: Orphanet 369955, MedGen C3553915, MONDO:0013925, OMIM 614857.

Allele frequency attached by ClinVar (database versions not stated): 1000 Genomes Project 0.00020; gnomAD exomes 0.00025; ExAC 0.00026; 1000 Genomes Project 30x 0.00031; ESP Exome Variant Server 0.00031; gnomAD 0.00032 and 0.00034; TOPMed 0.00041.
gnomAD v4.1: 879 of 1,614,140 alleles (0.054%); highest among the groups gnomAD compares: Non-Finnish European, 0.07%; no homozygotes.

Submissions (3):

Labcorp Genetics (formerly Invitae), Labcorp
Classification: Uncertain significance for Methylmalonic acidemia with homocystinuria, type cblJ. Last evaluated: 2023-11-20. Review status: criteria provided, single submitter. Criteria: Invitae Variant Classification Sherloc (09022015). Collection method: clinical testing. Allele origin: germline.
Comment: This sequence change replaces arginine, which is basic and polar, with histidine, which is basic and polar, at codon 251 of the ABCD4 protein (p.Arg251His). This variant is present in population databases (rs139315421, gnomAD 0.04%). This variant has not been reported in the literature in individuals affected with ABCD4-related conditions. ClinVar contains an entry for this variant (Variation ID: 386273). Advanced modeling of protein sequence and biophysical properties (such as structural, functional, and spatial information, amino acid conservation, physicochemical variation, residue mobility, and thermodynamic stability) performed at Invitae indicates that this missense variant is not expected to disrupt ABCD4 protein function with a negative predictive value of 95%. In summary, the available evidence is currently insufficient to determine the role of this variant in disease. Therefore, it has been classified as a Variant of Uncertain Significance.

GeneDx
Classification: Uncertain significance. Last evaluated: 2019-09-06. Review status: criteria provided, single submitter. Criteria: GeneDx Variant Classification Process June 2021. Collection method: clinical testing. Allele origin: germline. Affected: yes.
Comment: Has not been previously published as pathogenic or benign to our knowledge; In silico analysis, which includes protein predictors and evolutionary conservation, supports that this variant does not alter protein structure/function

Breakthrough Genomics
Classification: Uncertain significance. Review status: criteria provided, single submitter. Criteria: ACMG Guidelines, 2015. Collection method: not provided. Allele origin: germline. Inheritance: Autosomal recessive inheritance. Affected: yes.

NM_005050.4(ABCD4):c.752G>A (p.Arg251His)

Gene: ABCD4 (ATP binding cassette subfamily D member 4; minus strand). Cytogenetic location: 14q24.3.
Variant type: single nucleotide variant.
Coding change: c.752G>A on transcript NM_005050.4 (MANE Select); coding-DNA position 752, G replaced by A.
Protein change: p.Arg251His; replaces arginine 251 with histidine.
Molecular consequence: missense variant. On other transcripts: non-coding transcript variant (6), intron variant (9).
Genome position (GRCh38, 1-based): chr14:74,293,216, C>T on the plus strand (G>A on the coding strand, the complement: ABCD4 is on the minus strand). VCF-style: chr14-74293216-C-T. GRCh37 (hg19) VCF-style: chr14-74759919-C-T.
Other names: c.626G>A, p.Arg209His (NM_001353591.2, NM_001353592.2); c.491G>A, p.Arg164His (NM_001353593.2); c.440G>A, p.Arg147His (NM_001353594.2); c.338G>A, p.Arg113His (NM_001353595.2, NM_001353596.2); c.287G>A, p.Arg96His (NM_001353597.2); c.275G>A, p.Arg92His (NM_001353598.2, NM_001353599.2, NM_001353600.2 and 2 more transcripts); c.752G>A, p.Arg251His (NM_020325.3); c.26-347G>A (NM_001353607.2, NM_001353604.2, NM_001353603.2 and 6 more transcripts); short protein forms R251H, R113H, R147H, R164H, R92H, R209H, R96H.
Identifiers: ClinVar variation 386273 (VCV000386273.10), dbSNP rs139315421, ClinGen allele CA7267069.